The following is an entry in ClinVar:

NM_198391.3(FLRT3):c.97T>C (p.Ser33Pro)

Genes: FLRT3 (fibronectin leucine rich transmembrane protein 3; minus strand), MACROD2 (mono-ADP ribosylhydrolase 2; plus strand). Cytogenetic location: 20p12.1.
Variant type: single nucleotide variant.
Coding change: c.97T>C on transcript NM_198391.3 (MANE Select); coding-DNA position 97, T replaced by C.
Protein change: p.Ser33Pro; replaces serine 33 with proline.
Molecular consequence: missense variant. On other transcripts: intron variant (3).
Genome position (GRCh38, 1-based): chr20:14,327,410, A>G on the plus strand (T>C on the coding strand, the complement: FLRT3 is on the minus strand). VCF-style: chr20-14327410-A-G. GRCh37 (hg19) VCF-style: chr20-14308056-A-G.
Other names: c.97T>C, p.Ser33Pro (NM_013281.4); c.272-166069A>G (NM_001351661.2, NM_001351663.2, NM_080676.6); short protein forms S33P.
Identifiers: ClinVar variation 4668946 (VCV004668946.3).

ClinVar aggregate classification (germline): Uncertain significance. Review status: criteria provided, multiple submitters, no conflicts (2 of 4 stars). 3 submissions from 3 submitters: Uncertain significance (3). Last evaluated 2026-02-16.

gnomAD v4.1: 31 of 1,613,576 alleles (0.0019%); highest among the groups gnomAD compares: East Asian, 0.02%; no homozygotes.

Submissions (3):

Women's Health and Genetics/Laboratory Corporation of America, LabCorp
Classification: Uncertain significance. Last evaluated: 2026-02-16. Review status: criteria provided, single submitter. Criteria: LabCorp Variant Classification Summary - May 2015. Collection method: clinical testing. Allele origin: germline.
Comment: Variant summary: FLRT3 c.97T>C (p.Ser33Pro) results in a non-conservative amino acid change in the encoded protein sequence. Algorithms developed to predict the effect of missense changes on protein structure and function are either unavailable or do not agree on the potential impact of this missense change. The variant allele was found at a frequency of 4.4e-05 in 250590 control chromosomes. This frequency is not significantly higher than estimated for disease-causing variants in FLRT3, allowing no conclusion about variant significance. To our knowledge, no occurrence of c.97T>C in individuals affected with FLRT3-related conditions and no experimental evidence demonstrating its impact on protein function have been reported. ClinVar contains an entry for this variant (Variation ID: 4668946). Based on the evidence outlined above, the variant was classified as uncertain significance.

Labcorp Genetics (formerly Invitae), Labcorp
Classification: Uncertain significance. Last evaluated: 2026-01-20. Review status: criteria provided, single submitter. Criteria: Invitae Variant Classification Sherloc (09022015). Collection method: clinical testing. Allele origin: germline.
Comment: This sequence change replaces serine, which is neutral and polar, with proline, which is neutral and non-polar, at codon 33 of the FLRT3 protein (p.Ser33Pro). This variant is present in population databases (rs762539167, gnomAD 0.05%). This variant has not been reported in the literature in individuals affected with FLRT3-related conditions. Invitae Evidence Modeling of protein sequence and biophysical properties (such as structural, functional, and spatial information, amino acid conservation, physicochemical variation, residue mobility, and thermodynamic stability) indicates that this missense variant is not expected to disrupt FLRT3 protein function with a negative predictive value of 80%. In summary, the available evidence is currently insufficient to determine the role of this variant in disease. Therefore, it has been classified as a Variant of Uncertain Significance.

Ambry Genetics
Classification: Uncertain significance. Last evaluated: 2025-12-11. Review status: criteria provided, single submitter. Criteria: Ambry Variant Classification Scheme 2023. Collection method: clinical testing. Allele origin: germline.